The following is an entry in ClinVar:

NM_013296.5(GPSM2):c.1501del (p.Ser501fs)

Gene: GPSM2 (G protein signaling modulator 2; plus strand). Cytogenetic location: 1p13.3.
Variant type: Deletion.
Coding change: c.1501del on transcript NM_013296.5 (MANE Select); coding-DNA position 1501, one base deleted (A; older notation c.1501delA).
Protein change: p.Ser501fs; shifts the reading frame from serine 501.
Molecular consequence: frameshift variant.
Genome position (GRCh38, 1-based): chr1:108,922,477, A deleted; the last of 3 consecutive A bases (chr1:108,922,475-108,922,477); deleting any one gives the same sequence. VCF-style (leftmost placement, unchanged base first): chr1-108922474-CA-C. GRCh37 (hg19) VCF-style: chr1-109465096-CA-C.
Other names: c.1501del, p.Ser501fs (NM_001321038.2, NM_001321039.3); c.1501delA (NM_013296.5); short protein forms S501fs.
Identifiers: ClinVar variation 864860 (VCV000864860.3), dbSNP rs761092578, ClinGen allele CA916082079.

ClinVar aggregate classification (germline): Pathogenic/Likely pathogenic. Review status: criteria provided, multiple submitters, no conflicts (2 of 4 stars). 2 submissions from 2 submitters: Pathogenic (1); Likely pathogenic (1). Last evaluated 2021-11-03.

Conditions:
Chudley-McCullough syndrome (CMCS). Also called: Deafness, autosomal recessive 82; DEAFNESS, SENSORINEURAL, WITH PARTIAL AGENESIS OF THE CORPUS CALLOSUM AND ARACHNOID CYSTS. Identifiers: Orphanet 314597, MedGen C1858695, MONDO:0011411, OMIM 604213.

Submissions (2):

Fulgent Genetics
Classification: Pathogenic for Chudley-McCullough syndrome. Last evaluated: 2021-11-03. Review status: criteria provided, single submitter. Criteria: ACMG Guidelines, 2015. Collection method: clinical testing. Allele origin: unknown.

Bruce Lefroy Centre, Murdoch Childrens Research Institute
Classification: Likely pathogenic for Chudley-McCullough syndrome. Last evaluated: 2020-01-01. Review status: criteria provided, single submitter. Criteria: ACMG Guidelines, 2015. Collection method: research. Allele origin: inherited. Inheritance: Autosomal recessive inheritance. Affected: yes. Observed: 3 variant alleles, 2 heterozygotes, 1 homozygote.
Comment: PM2, PM3, PM4, PP3